The following is an entry in ClinVar:

ClinVar aggregate classification (germline): Uncertain significance (1 of 4 stars; one submission).

Conditions:
STING-associated vasculopathy with onset in infancy. Also called: Sting-associated vasculopathy, infantile-onset. Identifiers: Orphanet 425120, MedGen C4014722, MONDO:0014405, OMIM 615934.

Submission:

Labcorp Genetics (formerly Invitae), Labcorp
Classification: Uncertain significance for STING-associated vasculopathy with onset in infancy. Last evaluated: 2022-09-21. Review status: criteria provided, single submitter. Criteria: Invitae Variant Classification Sherloc (09022015). Collection method: clinical testing. Allele origin: germline.
Comment: In summary, the available evidence is currently insufficient to determine the role of this variant in disease. Therefore, it has been classified as a Variant of Uncertain Significance. Advanced modeling of protein sequence and biophysical properties (such as structural, functional, and spatial information, amino acid conservation, physicochemical variation, residue mobility, and thermodynamic stability) performed at Invitae indicates that this missense variant is not expected to disrupt TMEM173 protein function. This variant has not been reported in the literature in individuals affected with TMEM173-related conditions. This variant is not present in population databases (gnomAD no frequency). This sequence change replaces alanine, which is neutral and non-polar, with threonine, which is neutral and polar, at codon 122 of the TMEM173 protein (p.Ala122Thr).

NM_198282.4(STING1):c.364G>A (p.Ala122Thr)

Genes: STING1 (stimulator of interferon response cGAMP interactor 1; minus strand), LOC123522803 (Sharpr-MPRA regulatory region 11914; plus strand). Cytogenetic location: 5q31.2.
Variant type: single nucleotide variant.
Coding change: c.364G>A on transcript NM_198282.4 (MANE Select); coding-DNA position 364, G replaced by A.
Protein change: p.Ala122Thr; replaces alanine 122 with threonine.
Molecular consequence: missense variant.
Genome position (GRCh38, 1-based): chr5:139,481,206, C>T on the plus strand (G>A on the coding strand, the complement: STING1 is on the minus strand). VCF-style: chr5-139481206-C-T. GRCh37 (hg19) VCF-style: chr5-138860791-C-T.
Other names: c.364G>A, p.Ala122Thr (NM_001301738.2); c.7G>A, p.Ala3Thr (NM_001367258.1); short protein forms A122T, A3T.
Identifiers: ClinVar variation 2031714 (VCV002031714.4), dbSNP rs2547065926, ClinGen allele CA361481250.